The following is an entry in ClinVar:

ClinVar aggregate classification (germline): Uncertain significance. Review status: criteria provided, multiple submitters, no conflicts (2 of 4 stars). 3 submissions from 3 submitters: Uncertain significance (3). Last evaluated 2025-12-08.

Conditions:
Hereditary pancreatitis (PCTT). Also called: Hereditary chronic pancreatitis; PRSS1-Related Hereditary Pancreatitis. Identifiers: Orphanet 676, MedGen C0238339, MONDO:0008185, OMIM 167800.

Allele frequency attached by ClinVar (database versions not stated): ExAC 0.00008; ESP Exome Variant Server 0.00008; gnomAD 0.00008 and 0.00009.

Submissions (3):

Labcorp Genetics (formerly Invitae), Labcorp
Classification: Uncertain significance for Hereditary pancreatitis. Last evaluated: 2025-12-08. Review status: criteria provided, single submitter. Criteria: Invitae Variant Classification Sherloc (09022015). Collection method: clinical testing. Allele origin: germline.
Comment: This sequence change replaces arginine, which is basic and polar, with histidine, which is basic and polar, at codon 95 of the PRSS1 protein (p.Arg95His). The frequency data for this variant in the population databases is considered unreliable, as metrics indicate poor data quality at this position in the gnomAD database. This variant has not been reported in the literature in individuals affected with PRSS1-related conditions. ClinVar contains an entry for this variant (Variation ID: 821885). Invitae Evidence Modeling of protein sequence and biophysical properties (such as structural, functional, and spatial information, amino acid conservation, physicochemical variation, residue mobility, and thermodynamic stability) indicates that this missense variant is not expected to disrupt PRSS1 protein function with a negative predictive value of 80%. In summary, the available evidence is currently insufficient to determine the role of this variant in disease. Therefore, it has been classified as a Variant of Uncertain Significance.

Ambry Genetics
Classification: Uncertain significance for Hereditary pancreatitis. Last evaluated: 2024-09-08. Review status: criteria provided, single submitter. Criteria: Ambry Variant Classification Scheme 2023. Collection method: clinical testing. Allele origin: germline.
Comment: The p.R95H variant (also known as c.284G>A), located in coding exon 3 of the PRSS1 gene, results from a G to A substitution at nucleotide position 284. The arginine at codon 95 is replaced by histidine, an amino acid with highly similar properties. This amino acid position is not well conserved in available vertebrate species. In addition, the in silico prediction for this alteration is inconclusive. Since supporting evidence is limited at this time, the clinical significance of this alteration remains unclear.

Women's Health and Genetics/Laboratory Corporation of America, LabCorp
Classification: Uncertain significance. Last evaluated: 2023-04-28. Review status: criteria provided, single submitter. Criteria: LabCorp Variant Classification Summary - May 2015. Collection method: clinical testing. Allele origin: germline.

NM_002769.5(PRSS1):c.284G>A (p.Arg95His)

Genes: TRB (T cell receptor beta locus; plus strand), PRSS1 (serine protease 1; plus strand). Cytogenetic location: 7q34.
Variant type: single nucleotide variant.
Coding change: c.284G>A on transcript NM_002769.5 (MANE Select); coding-DNA position 284, G replaced by A.
Protein change: p.Arg95His; replaces arginine 95 with histidine.
Molecular consequence: missense variant.
Genome position (GRCh38, 1-based): chr7:142,751,857, G>A. VCF-style: chr7-142751857-G-A. GRCh37 (hg19) VCF-style: chr7-142459708-G-A.
Other names: short protein forms R95H.
Identifiers: ClinVar variation 821885 (VCV000821885.14), dbSNP rs375820192, ClinGen allele CA4529906.